The following is an entry in ClinVar:

ClinVar aggregate classification (germline): Likely benign. Review status: criteria provided, multiple submitters, no conflicts (2 of 4 stars). 3 submissions from 3 submitters: Likely benign (3). Last evaluated 2023-04-03.

Conditions:
Primary dilated cardiomyopathy (DCM). Also called: Dilated Cardiomyopathy. Identifiers: Orphanet 217604, MedGen C0007193, MeSH D002311, MONDO:0005021, HP:0001644. Inheritance: Various modes of inheritance.
Cardiomyopathy (CMYO). Also called: Cardiomyopathies. Identifiers: Orphanet 167848, MedGen C0878544, MONDO:0004994, HP:0001638. Inheritance: Various modes of inheritance.
Charcot-Marie-Tooth disease type 2. Also called: Charcot-Marie-Tooth type 2. Identifiers: Orphanet 64746, MedGen C0270914, MONDO:0018993.

gnomAD v4.1: 4 of 1,613,292 alleles (0.00025%); highest among the groups gnomAD compares: Non-Finnish European, 0.00034%; no homozygotes.

Submissions (3):

All of Us Research Program, National Institutes of Health
Classification: Likely benign for Primary dilated cardiomyopathy. Last evaluated: 2023-04-03. Review status: criteria provided, single submitter. Criteria: ACMG Guidelines, 2015. Collection method: clinical testing. Allele origin: germline. Inheritance: Autosomal dominant inheritance. Observed: 1 variant allele, 1 heterozygote.
Comment: This study involves interpretation of variants in research participants for the purpose of population health screening. Participant phenotype was not available at the time of variant classification. Additional details can be found in publication PMID: 35346344, PMCID: PMC8962531

Labcorp Genetics (formerly Invitae), Labcorp
Classification: Likely benign for Charcot-Marie-Tooth disease type 2. Last evaluated: 2022-06-28. Review status: criteria provided, single submitter. Criteria: Invitae Variant Classification Sherloc (09022015). Collection method: clinical testing. Allele origin: germline.

Color Diagnostics, LLC DBA Color Health
Classification: Likely benign for Cardiomyopathy. Last evaluated: 2020-12-08. Review status: criteria provided, single submitter. Criteria: ACMG Guidelines, 2015. Collection method: clinical testing. Allele origin: germline.

NM_170707.4(LMNA):c.927C>T (p.Leu309=)

Gene: LMNA (lamin A/C; plus strand). Cytogenetic location: 1q22.
Variant type: single nucleotide variant.
Coding change: c.927C>T on transcript NM_170707.4 (MANE Select); coding-DNA position 927, C replaced by T.
Protein change: p.Leu309=; no amino-acid change (leucine 309 retained).
Molecular consequence: synonymous variant.
Genome position (GRCh38, 1-based): chr1:156,135,303, C>T. VCF-style: chr1-156135303-C-T. GRCh37 (hg19) VCF-style: chr1-156105094-C-T.
Other names: c.591C>T, p.Leu197= (NM_001257374.3); c.684C>T, p.Leu228= (NM_001282624.2); c.927C>T, p.Leu309= (NM_001282625.2, NM_001282626.2, NM_005572.4 and 1 more transcripts).
Identifiers: ClinVar variation 1171210 (VCV001171210.11), dbSNP rs752558753, ClinGen allele CA31011940.